The following is an entry in ClinVar:

NM_000144.5(FXN):c.534C>T (p.Asp178=)

Gene: FXN (frataxin; plus strand). Cytogenetic location: 9q21.11.
Variant type: single nucleotide variant.
Coding change: c.534C>T on transcript NM_000144.5 (MANE Select); coding-DNA position 534, C replaced by T.
Protein change: p.Asp178=; no amino-acid change (aspartic acid 178 retained).
Molecular consequence: synonymous variant. On other transcripts: missense variant (1).
Genome position (GRCh38, 1-based): chr9:69,072,663, C>T. VCF-style: chr9-69072663-C-T. GRCh37 (hg19) VCF-style: chr9-71687579-C-T.
Other names: c.542C>T, p.Thr181Met (NM_181425.3); short protein forms T181M.
Identifiers: ClinVar variation 264460 (VCV000264460.6), dbSNP rs61754561, ClinGen allele CA5072808.

ClinVar aggregate classification (germline): Benign/Likely benign. Review status: criteria provided, multiple submitters, no conflicts (2 of 4 stars). 2 submissions from 2 submitters: Benign (1); Likely benign (1). Last evaluated 2025-04-14.

Conditions:
Inborn genetic diseases. Identifiers: MedGen C0950123, MeSH D030342.

Allele frequency attached by ClinVar (database versions not stated): ExAC 0.00021; gnomAD 0.00026 and 0.00028; gnomAD exomes 0.00021; TOPMed 0.00025; ESP Exome Variant Server 0.00015.
gnomAD v4.1: 323 of 1,614,028 alleles (0.02%); highest among the groups gnomAD compares: Admixed American, 0.03%; no homozygotes.

Submissions (2):

Athena Diagnostics
Classification: Benign. Last evaluated: 2025-04-14. Review status: criteria provided, single submitter. Criteria: Athena Diagnostics Criteria. Collection method: clinical testing. Allele origin: unknown.
Comment: The frequency of this variant in the general population is higher than would generally be expected for pathogenic variants in this gene. Computational tools yielded predictions that this variant is unlikely to have an effect on normal RNA splicing. This nucleotide position exhibits low evolutionary conservation.

Ambry Genetics
Classification: Likely benign for Inborn genetic diseases. Last evaluated: 2023-07-05. Review status: criteria provided, single submitter. Criteria: Ambry Variant Classification Scheme 2023. Collection method: clinical testing. Allele origin: germline.